The following is an entry in ClinVar:

ClinVar aggregate classification (germline): Uncertain significance (1 of 4 stars; one submission).

Allele frequency attached by ClinVar (database versions not stated): gnomAD exomes 0.00001; gnomAD 0.00003; TOPMed 0.00003; ExAC 0.00004; ESP Exome Variant Server 0.00008; 1000 Genomes Project 30x 0.00016; 1000 Genomes Project 0.00020.
gnomAD v4.1: 16 of 1,614,186 alleles (0.00099%); highest among the groups gnomAD compares: African/African-American, 0.017%; no homozygotes.

Submission:

Labcorp Genetics (formerly Invitae), Labcorp
Classification: Uncertain significance. Last evaluated: 2024-03-17. Review status: criteria provided, single submitter. Criteria: Invitae Variant Classification Sherloc (09022015). Collection method: clinical testing. Allele origin: germline.
Comment: This sequence change replaces glutamic acid, which is acidic and polar, with lysine, which is basic and polar, at codon 464 of the RHOBTB2 protein (p.Glu464Lys). This variant is present in population databases (rs375491041, gnomAD 0.03%). This variant has not been reported in the literature in individuals affected with RHOBTB2-related conditions. ClinVar contains an entry for this variant (Variation ID: 2192426). Advanced modeling of protein sequence and biophysical properties (such as structural, functional, and spatial information, amino acid conservation, physicochemical variation, residue mobility, and thermodynamic stability) performed at Invitae indicates that this missense variant is not expected to disrupt RHOBTB2 protein function with a negative predictive value of 80%. In summary, the available evidence is currently insufficient to determine the role of this variant in disease. Therefore, it has been classified as a Variant of Uncertain Significance.

NM_015178.3(RHOBTB2):c.1324G>A (p.Glu442Lys)

Gene: RHOBTB2 (Rho related BTB domain containing 2; plus strand). Cytogenetic location: 8p21.3.
Variant type: single nucleotide variant.
Coding change: c.1324G>A on transcript NM_015178.3 (MANE Select); coding-DNA position 1324, G replaced by A.
Protein change: p.Glu442Lys; replaces glutamic acid 442 with lysine.
Molecular consequence: missense variant.
Genome position (GRCh38, 1-based): chr8:23,007,569, G>A. VCF-style: chr8-23007569-G-A. GRCh37 (hg19) VCF-style: chr8-22865082-G-A.
Other names: c.1390G>A, p.Glu464Lys (NM_001160036.2); c.1345G>A, p.Glu449Lys (NM_001160037.2); c.1324G>A, p.Glu442Lys (NM_001374791.1); short protein forms E442K, E464K, E449K.
Identifiers: ClinVar variation 2192426 (VCV002192426.4), dbSNP rs375491041, ClinGen allele CA4672648.